The following is an entry in ClinVar:

ClinVar aggregate classification (germline): Likely benign (1 of 4 stars; one submission).

Allele frequency attached by ClinVar (database versions not stated): gnomAD exomes 0.00016; gnomAD 0.00029; TOPMed 0.00034.

Submission:

CeGaT Center for Human Genetics Tuebingen
Classification: Likely benign. Last evaluated: 2026-06-01. Review status: criteria provided, single submitter. Criteria: CeGaT Center For Human Genetics Tuebingen Variant Classification Criteria Version 2. Collection method: clinical testing. Allele origin: germline. Affected: yes. Observed: 14 variant alleles.
Comment: STK11: BS1

NM_000455.5(STK11):c.1108+531G>C

Gene: STK11 (serine/threonine kinase 11; plus strand). Cytogenetic location: 19p13.3.
Variant type: single nucleotide variant.
Coding change: c.1108+531G>C on transcript NM_000455.5 (MANE Select); 531 bases into the intron after coding-DNA position 1108, G replaced by C.
Molecular consequence: intron variant.
Genome position (GRCh38, 1-based): chr19:1,223,703, G>C. VCF-style: chr19-1223703-G-C. GRCh37 (hg19) VCF-style: chr19-1223702-G-C.
Identifiers: ClinVar variation 1694880 (VCV001694880.31), dbSNP rs925652247, ClinGen allele CA14680626.
Genomic context (GRCh38, chr19:1,223,703, plus strand): 5'-GAGGAGGCGTCTGAGGCAGGGCTTAGAGCGGAGCGCGGCTTGCAGAAGAGCGAGGGCTCA[G>C]ACCTTTCAGGAGAGGAAGCCTCTCGGCCGGCGCCGCAGTAGTGCCTGAGGAGGAGCTCAG-3'